The following is an entry in ClinVar:

ClinVar aggregate classification (germline): Benign. Review status: criteria provided, multiple submitters, no conflicts (2 of 4 stars). 12 submissions from 11 submitters: Benign (10). 2 of the submissions do not count toward it. Last evaluated 2026-06-30.

Conditions:
Bartter disease type 4B. Also called: BARTTER SYNDROME, TYPE 4B; BARTTER SYNDROME, TYPE 4B, NEONATAL, WITH SENSORINEURAL DEAFNESS; Bartter syndrome, type 4b, digenic. Identifiers: Orphanet 112, MedGen C4310805, MONDO:0000909, OMIM 613090.
Bartter disease type 3. Also called: Bartter syndrome type 3. Identifiers: Orphanet 112, Orphanet 93605, MedGen C1846343, MONDO:0011822, OMIM 607364.

Allele frequency attached by ClinVar (database versions not stated): gnomAD 0.68517 and 0.69881; TOPMed 0.69060; 1000 Genomes Project 30x 0.72751; 1000 Genomes Project 0.73862; ExAC 0.80080; gnomAD exomes 0.81042.

Submissions (12):

Women's Health and Genetics/Laboratory Corporation of America, LabCorp
Classification: Benign. Last evaluated: 2026-06-30. Review status: criteria provided, single submitter. Criteria: LabCorp Variant Classification Summary - May 2015. Collection method: clinical testing. Allele origin: germline.

Labcorp Genetics (formerly Invitae), Labcorp
Classification: Benign. Last evaluated: 2026-02-04. Review status: criteria provided, single submitter. Criteria: Invitae Variant Classification Sherloc (09022015). Collection method: clinical testing. Allele origin: germline.

Blueprint Genetics
Classification: Benign. Last evaluated: 2024-11-26. Review status: criteria provided, single submitter. Criteria: ACMG Guidelines, 2015. Collection method: clinical testing. Allele origin: germline.

Mayo Clinic Laboratories, Mayo Clinic
Classification: Benign. Last evaluated: 2022-03-09. Review status: criteria provided, single submitter. Criteria: ACMG Guidelines, 2015. Collection method: clinical testing. Allele origin: germline. Observed: 182 variant alleles.

Genome-Nilou Lab
Classification: Benign for Bartter disease type 4B. Last evaluated: 2021-07-22. Review status: criteria provided, single submitter. Criteria: ACMG Guidelines, 2015. Collection method: clinical testing. Allele origin: germline. Affected: no.

Genome-Nilou Lab
Classification: Benign for Bartter disease type 3. Last evaluated: 2021-07-22. Review status: criteria provided, single submitter. Criteria: ACMG Guidelines, 2015. Collection method: clinical testing. Allele origin: germline. Affected: no.

GeneDx
Classification: Benign. Last evaluated: 2019-12-12. Review status: criteria provided, single submitter. Criteria: GeneDx Variant Classification Process June 2021. Collection method: clinical testing. Allele origin: germline. Affected: yes.

Athena Diagnostics
Classification: Benign. Last evaluated: 2017-08-02. Review status: criteria provided, single submitter. Criteria: Athena Diagnostics Criteria. Collection method: clinical testing. Allele origin: germline.

Laboratory for Molecular Medicine, Mass General Brigham Personalized Medicine
Classification: Benign. Last evaluated: 2016-03-21. Review status: criteria provided, single submitter. Criteria: LMM Criteria. Collection method: clinical testing. Allele origin: germline. Observed: 1 variant allele.
Comment: c.577-5C>T in intron 6 of CLCNKB: This variant is not expected to have clinical significance because it does not alter an amino acid residue, is not located wit hin the splice consensus sequence, and has been identified in 98.97% (8553/8642) of East Asian chromosomes by the Exome Aggregation Consortium (ExAC; dbSNP rs1889788).

Breakthrough Genomics
Classification: Benign. Review status: criteria provided, single submitter. Criteria: ACMG Guidelines, 2015. Collection method: not provided. Allele origin: germline. Inheritance: Autosomal recessive inheritance. Affected: yes.

Diagnostic Laboratory, Department of Genetics, University Medical Center Groningen
Classification: Benign. Review status: no assertion criteria provided. Collection method: clinical testing. Allele origin: germline. Affected: yes. Study: VKGL Data-share Consensus. Not counted in ClinVar's aggregate classification.

Joint Genome Diagnostic Labs from Nijmegen and Maastricht, Radboudumc and MUMC+
Classification: Benign. Review status: no assertion criteria provided. Collection method: clinical testing. Allele origin: germline. Affected: yes. Study: VKGL Data-share Consensus. Not counted in ClinVar's aggregate classification.

NM_000085.5(CLCNKB):c.577-5C>T

Genes: CLCNKB (chloride voltage-gated channel Kb; plus strand), LOC106501713 (CLCNKB recombination region; plus strand). Cytogenetic location: 1p36.13.
Variant type: single nucleotide variant.
Coding change: c.577-5C>T on transcript NM_000085.5 (MANE Select); 5 bases into the intron before coding-DNA position 577, C replaced by T.
Molecular consequence: intron variant.
Genome position (GRCh38, 1-based): chr1:16,048,499, C>T. VCF-style: chr1-16048499-C-T. GRCh37 (hg19) VCF-style: chr1-16374994-C-T.
Other names: p.?.
Identifiers: ClinVar variation 381050 (VCV000381050.25), dbSNP rs1889788, ClinGen allele CA623385.